The following is an entry in ClinVar:

NM_001128164.2(ATXN1):c.2188A>G (p.Ile730Val)

Gene: ATXN1 (ataxin 1; minus strand). Cytogenetic location: 6p22.3.
Variant type: single nucleotide variant.
Coding change: c.2188A>G on transcript NM_001128164.2 (MANE Select); coding-DNA position 2188, A replaced by G.
Protein change: p.Ile730Val; replaces isoleucine 730 with valine.
Molecular consequence: missense variant. On other transcripts: 3 prime UTR variant (1).
Genome position (GRCh38, 1-based): chr6:16,306,589, T>C on the plus strand (A>G on the coding strand, the complement: ATXN1 is on the minus strand). VCF-style: chr6-16306589-T-C. GRCh37 (hg19) VCF-style: chr6-16306820-T-C.
Other names: c.2188A>G, p.Ile730Val (NM_000332.4); c.*1601A>G (NM_001357857.2); short protein forms I730V.
Identifiers: ClinVar variation 4533966 (VCV004533966.6).

ClinVar aggregate classification (germline): Likely benign (1 of 4 stars; one submission).

gnomAD v4.1: 204 of 1,614,082 alleles (0.013%); highest among the groups gnomAD compares: Non-Finnish European, 0.0024%; 2 homozygotes.

Submission:

CeGaT Center for Human Genetics Tuebingen
Classification: Likely benign. Last evaluated: 2025-10-01. Review status: criteria provided, single submitter. Criteria: CeGaT Center For Human Genetics Tuebingen Variant Classification Criteria Version 2. Collection method: clinical testing. Allele origin: germline. Affected: yes. Observed: 1 variant allele.
Comment: ATXN1: BP4